The following is an entry in ClinVar:

NM_001374828.1(ARID1B):c.2284A>G (p.Thr762Ala)

Gene: ARID1B (AT-rich interaction domain 1B; plus strand). Cytogenetic location: 6q25.3.
Variant type: single nucleotide variant.
Coding change: c.2284A>G on transcript NM_001374828.1 (MANE Select); coding-DNA position 2284, A replaced by G.
Protein change: p.Thr762Ala; replaces threonine 762 with alanine.
Molecular consequence: missense variant. On other transcripts: 5 prime UTR variant (1).
Genome position (GRCh38, 1-based): chr6:157,084,698, A>G. VCF-style: chr6-157084698-A-G. GRCh37 (hg19) VCF-style: chr6-157405832-A-G.
Other names: c.2035A>G, p.Thr679Ala (NM_001346813.1); c.-216A>G (NM_001363725.2); c.2323A>G, p.Thr775Ala (NM_001371656.1, NM_001374820.1); c.2284A>G, p.Thr762Ala (NM_017519.3); c.2074A>G, p.Thr692Ala (NM_020732.3); c.1861A>G, p.Thr621Ala (NM_175863.2); short protein forms T762A, T621A, T692A, T775A, T679A.
Identifiers: ClinVar variation 2512641 (VCV002512641.5), dbSNP rs991392838, ClinGen allele CA150838682.

ClinVar aggregate classification (germline): Conflicting classifications of pathogenicity. Review status: criteria provided, conflicting classifications (1 of 4 stars). 3 submissions from 3 submitters: Uncertain significance (2); Likely benign (1). Last evaluated 2024-12-24.

Conditions:
ARID1B-Related Disorder. Identifiers: MedGen CN381337.
Inborn genetic diseases. Identifiers: MedGen C0950123, MeSH D030342.

Allele frequency attached by ClinVar (database versions not stated): gnomAD 0.00001.
gnomAD v4.1: 2 of 1,614,040 alleles (0.00012%); highest among the groups gnomAD compares: Admixed American, 0.0017%; no homozygotes.

Submissions (3):

Labcorp Genetics (formerly Invitae), Labcorp
Classification: Likely benign. Last evaluated: 2024-12-24. Review status: criteria provided, single submitter. Criteria: Invitae Variant Classification Sherloc (09022015). Collection method: clinical testing. Allele origin: germline.

PreventionGenetics, part of Exact Sciences
Classification: Uncertain significance for ARID1B-related condition. Last evaluated: 2024-10-28. Review status: criteria provided, single submitter. Criteria: ACMG Guidelines, 2015. Collection method: clinical testing. Allele origin: germline.
Comment: The ARID1B c.2074A>G variant is predicted to result in the amino acid substitution p.Thr692Ala. To our knowledge, this variant has not been reported in the literature. This variant is reported in 0.0029% of alleles in individuals of Latino descent in gnomAD. At this time, the clinical significance of this variant is uncertain due to the absence of conclusive functional and genetic evidence.

Ambry Genetics
Classification: Uncertain significance for Inborn genetic diseases. Last evaluated: 2023-05-05. Review status: criteria provided, single submitter. Criteria: Ambry Variant Classification Scheme 2023. Collection method: clinical testing. Allele origin: germline.